The following is an entry in ClinVar:

ClinVar aggregate classification (germline): Conflicting classifications of pathogenicity. Review status: criteria provided, conflicting classifications (1 of 4 stars). 4 submissions from 4 submitters: Likely risk allele (1); Uncertain significance (3). Last evaluated 2025-07-14.

Conditions:
Type 1 diabetes mellitus 20 (T1D20). Also called: Diabetes mellitus, insulin-dependent, 20. Identifiers: MedGen C2675866, MONDO:0012919, OMIM 612520.
Type 2 diabetes mellitus. Also called: Type II diabetes mellitus. Identifiers: MedGen C0011860, MeSH D003924, MONDO:0005148, OMIM 125853, HP:0005978.
Nonpapillary renal cell carcinoma. Identifiers: Orphanet 422526, MedGen CN074294, MONDO:0007763, OMIM 144700.
Diabetes mellitus type 1 (T1D). Also called: Diabetes Mellitus, Juvenile-Onset; Type I diabetes mellitus. Identifiers: MedGen C0011854, MONDO:0005147, OMIM 222100, HP:0100651.
Hepatic adenomas, familial. Also called: HEPATIC ADENOMA, SOMATIC; LIVER CELL ADENOMAS, FAMILIAL. Identifiers: MedGen C1840646, MONDO:0007718, OMIM 142330.
Maturity-onset diabetes of the young type 3. Also called: MODY type 3; MODY, type III. Identifiers: Orphanet 552, MedGen C1838100, MeSH C563933, MONDO:0010894, OMIM 600496. Disease mechanism: loss of function.
Maturity-onset diabetes of the young (MODY). Also called: Maturity onset diabetes mellitus in young. Identifiers: Orphanet 552, MedGen C0342276, MONDO:0018911, HP:0004904.

Allele frequency attached by ClinVar (database versions not stated): gnomAD exomes below 0.00001; TOPMed below 0.00001.
gnomAD v4.1: 1 of 1,612,258 alleles (0.000062%); highest among the groups gnomAD compares: African/African-American, 0.0013%; no homozygotes.

Submissions (4):

GeneDx
Classification: Uncertain significance. Last evaluated: 2025-07-14. Review status: criteria provided, single submitter. Criteria: GeneDx Variant Classification Process June 2021. Collection method: clinical testing. Allele origin: germline. Affected: yes.
Comment: Not observed at significant frequency in large population cohorts (gnomAD); In silico analysis supports that this missense variant has a deleterious effect on protein structure/function; Has not been previously published as pathogenic or benign to our knowledge

Fulgent Genetics
Classification: Uncertain significance for Type 2 diabetes mellitus; Hepatic adenomas, familial; Nonpapillary renal cell carcinoma; Diabetes mellitus type 1; Maturity-onset diabetes of the young type 3; Type 1 diabetes mellitus 20. Last evaluated: 2024-03-29. Review status: criteria provided, single submitter. Criteria: ACMG Guidelines, 2015. Collection method: clinical testing. Allele origin: germline.

Eurofins Ntd Llc (ga)
Classification: Uncertain significance. Last evaluated: 2017-03-07. Review status: criteria provided, single submitter. Criteria: EGL Classification Definitions 2015. Collection method: clinical testing. Allele origin: germline. Observed: 1 variant allele, 1 heterozygote.

Clinical Genomics, Uppaluri K&H Personalized Medicine Clinic
Classification: Likely risk allele for Maturity-onset diabetes of the young. Review status: criteria provided, single submitter. Criteria: K & H Uppaluri Personalized Medicine Clinic Variant Classification & Assertion Criteria_Updated V.1. Collection method: research. Allele origin: unknown. Inheritance: Autosomal dominant inheritance.
Comment: Mutations in HNF1A gene can predispose to MODY3. It is associated with both micro and macrovascular complications of diabetes, especially cardiovascular complications. Associated with glucosuria. May respond well to sulfonylureas. However, more evidence is required to confer the association of this particular variant rs1555210473 with MODY3.

Literature cited by the submitters: PubMed 31517624 (cited by Clinical Genomics, Uppaluri K&H Personalized Medicine Clinic); PubMed 32395877 (cited by Clinical Genomics, Uppaluri K&H Personalized Medicine Clinic); PubMed 35328643 (cited by Clinical Genomics, Uppaluri K&H Personalized Medicine Clinic); PubMed 35673428 (cited by Clinical Genomics, Uppaluri K&H Personalized Medicine Clinic).

NM_000545.8(HNF1A):c.283G>A (p.Glu95Lys)

Gene: HNF1A (HNF1 homeobox A; plus strand). Cytogenetic location: 12q24.31.
Variant type: single nucleotide variant.
Coding change: c.283G>A on transcript NM_000545.8 (MANE Select); coding-DNA position 283, G replaced by A.
Protein change: p.Glu95Lys; replaces glutamic acid 95 with lysine.
Molecular consequence: missense variant.
Genome position (GRCh38, 1-based): chr12:120,979,051, G>A. VCF-style: chr12-120979051-G-A. GRCh37 (hg19) VCF-style: chr12-121416854-G-A.
Other names: c.283G>A, p.Glu95Lys (NM_001306179.2); c.283G>A (NM_000545.5); short protein forms E95K.
Identifiers: ClinVar variation 500712 (VCV000500712.8), dbSNP rs1555210473, ClinGen allele CA386954433.